The following is an entry in ClinVar:

ClinVar aggregate classification (germline): Benign. Review status: criteria provided, multiple submitters, no conflicts (2 of 4 stars). 2 submissions from 2 submitters: Benign (2). Last evaluated 2018-01-13.

Conditions:
Bardet-Biedl syndrome 4 (BBS4). Identifiers: Orphanet 110, MedGen C2936864, MONDO:0014433, OMIM 615982.

Allele frequency attached by ClinVar (database versions not stated): TOPMed 0.09895; 1000 Genomes Project 30x 0.10587; 1000 Genomes Project 0.11122.
gnomAD v4.1: 45,504 of 451,228 alleles (10%); highest among the groups gnomAD compares: East Asian, 17%; 2,462 homozygotes.

Submissions (3):

Illumina Laboratory Services, Illumina
Classification: Benign for Bardet-Biedl syndrome 4. Last evaluated: 2018-01-13. Review status: criteria provided, single submitter. Criteria: ICSL Variant Classification Criteria 13 December 2019. Collection method: clinical testing. Allele origin: germline.
Comment: This variant was observed in the ICSL laboratory as part of a predisposition screen in an ostensibly healthy population. It had not been previously curated by ICSL or reported in the Human Gene Mutation Database (HGMD: prior to June 1st, 2018), and was therefore a candidate for classification through an automated scoring system. Utilizing variant allele frequency, disease prevalence and penetrance estimates, and inheritance mode, an automated score was calculated to assess if this variant is too frequent to cause the disease. Based on the score and internal cut-off values, a variant classified as benign is not then subjected to further curation. The score for this variant resulted in a classification of benign for this disease.

Breakthrough Genomics
Classification: Benign. Review status: criteria provided, single submitter. Criteria: ACMG Guidelines, 2015. Collection method: not provided. Allele origin: germline. Inheritance: Autosomal recessive inheritance. Affected: yes.

Dr. Peter K. Rogan Lab, Western University
No classification provided (evidence only). Condition: Acute myeloid leukemia. Review status: no classification provided. Collection method: in vitro. Allele origin: not applicable. Functional consequence: retained intron. Not counted in ClinVar's aggregate classification.

NM_033028.5(BBS4):c.*608G>T

Gene: BBS4 (Bardet-Biedl syndrome 4; plus strand). Cytogenetic location: 15q24.1.
Variant type: single nucleotide variant.
Coding change: c.*608G>T on transcript NM_033028.5 (MANE Select); 608 bases downstream of the stop codon, G replaced by T.
Molecular consequence: 3 prime UTR variant. On other transcripts: non-coding transcript variant (2).
Genome position (GRCh38, 1-based): chr15:72,738,195, G>T. VCF-style: chr15-72738195-G-T. GRCh37 (hg19) VCF-style: chr15-73030536-G-T.
Other names: NC_000015.9:g.73030536G>T; c.*608G>T (NM_001252678.2, NM_001320665.2).
Identifiers: ClinVar variation 317073 (VCV000317073.7), dbSNP rs12898814, ClinGen allele CA7647118.
Genomic context (GRCh38, chr15:72,738,195, plus strand): 5'-CTGAGTATTGCAGCTGCATTTGCCCAAAGGGAATCCAGAACAAGTCCCTCCCTGTATTTT[G>T]TTCTTGAGAGGGGTCAGTCTAGAAGCTAGATCCTATCAGGATGAGGAGCAGCAGCCCAGG-3'